The following is an entry in ClinVar:

NM_018896.5(CACNA1G):c.889C>T (p.Pro297Ser)

Gene: CACNA1G (calcium voltage-gated channel subunit alpha1 G; plus strand). Cytogenetic location: 17q21.33.
Variant type: single nucleotide variant.
Coding change: c.889C>T on transcript NM_018896.5 (MANE Select); coding-DNA position 889, C replaced by T.
Protein change: p.Pro297Ser; replaces proline 297 with serine.
Molecular consequence: missense variant. On other transcripts: non-coding transcript variant (5).
Genome position (GRCh38, 1-based): chr17:50,572,696, C>T. VCF-style: chr17-50572696-C-T. GRCh37 (hg19) VCF-style: chr17-48650057-C-T.
Other names: c.889C>T, p.Pro297Ser (NM_001256324.2, NM_001256325.2, NM_001256326.2 and 24 more transcripts); short protein forms P297S.
Identifiers: ClinVar variation 1962571 (VCV001962571.5), dbSNP rs1307669364, ClinGen allele CA400231829.

ClinVar aggregate classification (germline): Uncertain significance (1 of 4 stars; one submission).

Allele frequency attached by ClinVar (database versions not stated): gnomAD 0.00001; TOPMed 0.00002.

Submission:

Labcorp Genetics (formerly Invitae), Labcorp
Classification: Uncertain significance. Last evaluated: 2023-04-14. Review status: criteria provided, single submitter. Criteria: Invitae Variant Classification Sherloc (09022015). Collection method: clinical testing. Allele origin: germline.
Comment: This variant is present in population databases (no rsID available, gnomAD 0.0009%). This sequence change replaces proline, which is neutral and non-polar, with serine, which is neutral and polar, at codon 297 of the CACNA1G protein (p.Pro297Ser). This variant has not been reported in the literature in individuals affected with CACNA1G-related conditions. In summary, the available evidence is currently insufficient to determine the role of this variant in disease. Therefore, it has been classified as a Variant of Uncertain Significance. Advanced modeling of protein sequence and biophysical properties (such as structural, functional, and spatial information, amino acid conservation, physicochemical variation, residue mobility, and thermodynamic stability) performed at Invitae indicates that this missense variant is not expected to disrupt CACNA1G protein function. ClinVar contains an entry for this variant (Variation ID: 1962571).